The following is an entry in ClinVar:

ClinVar aggregate classification (germline): Uncertain significance. Review status: reviewed by expert panel (3 of 4 stars). 3 submissions from 3 submitters: Uncertain significance (1). 2 of the submissions do not count toward it. Last evaluated 2026-10-12.

Conditions:
CYP1B1-related glaucoma with or without anterior segment dysgenesis. Identifiers: MedGen CN375931, MONDO:0800472.
Glaucoma 3A. Also called: Glaucoma 3, primary congenital, A. Identifiers: Orphanet 98976, Orphanet 98977, MedGen C1856439, MONDO:0009277, OMIM 231300.
Primary congenital glaucoma. Also called: Primary congenital glaucoma (disease). Identifiers: MedGen C1533041, MONDO:0000365, HP:0008007.

Allele frequency attached by ClinVar (database versions not stated): gnomAD 0.00001; TOPMed below 0.00001.

Submissions (3):

ClinGen Glaucoma Variant Curation Expert Panel
Classification: Uncertain significance for CYP1B1-related glaucoma with or without anterior segment dysgenesis. Last evaluated: 2026-10-12. Review status: reviewed by expert panel. Criteria: ClinGen Glaucoma ACMG Specifications CYP1B1 V2.0. Collection method: curation. Allele origin: germline. Inheritance: Autosomal recessive inheritance.
Comment: The c.694G>C variant in CYP1B1 is a missense variant predicted to cause substitution of Glycine by Arginine at amino acid 232 (p.Gly232Arg). The highest minor allele frequency of this variant was in the Remaining genetic ancestry group of gnomAD (v4.1) = 0.00001602 (1 allele out of 62,420), which met the ≤ 0.0005 threshold set for PM2_Supporting in a genetic ancestry group of at least 2,000 alleles. This missense variant was not predicted to affect splicing, as assessed with SpliceAI (≤ 0.1) and the REVEL score = 0.566, which was neither above nor below the thresholds for PP3 (≥ 0.644) or BP4 (≤ 0.290), predicting a damaging or benign impact on CYP1B1 function. There was no functional evidence predicting a damaging or benign impact of this variant on CYP1B1 function. This variant has been identified in one individual with a CYP1B1-related phenotype. This individual is compound heterozygous for the variant and a pathogenic variant (phase unknown) (PMID: 14635112 and 15342693). Total proband points = 0.5, meeting PM3_Supporting. In summary, this variant met the criteria to receive a score of 2 and to be classified as a variant of uncertain significance (uncertain significance classification range -1 to 5, adapted from PMID: 32720330) for CYP1B1-related glaucoma with or without anterior segment dysgenesis (ASD) based on the ACMG/AMP criteria met, as specified by the ClinGen Glaucoma VCEP (v2.0, 16.07.2026): PM2_Supporting, PM3_Supporting.

Women's Health and Genetics/Laboratory Corporation of America, LabCorp
Classification: Likely pathogenic for Primary congenital glaucoma. Last evaluated: 2025-02-19. Review status: criteria provided, single submitter. Criteria: LabCorp Variant Classification Summary - May 2015. Collection method: clinical testing. Allele origin: germline. Not counted in ClinVar's aggregate classification.
Comment: Variant summary: CYP1B1 c.694G>C (p.Gly232Arg) results in a non-conservative amino acid change in the encoded protein sequence. Five of five in-silico tools predict a damaging effect of the variant on protein function. The variant was absent in 244486 control chromosomes (gnomAD). c.694G>C has been reported in the literature in individuals affected with Primary Congenital Glaucoma or Primary open-angle glaucoma (Colomb_2003, Melki_2004). These data indicate that the variant is likely to be associated with disease. To our knowledge, no experimental evidence demonstrating an impact on protein function has been reported. The following publications have been ascertained in the context of this evaluation (PMID: 14635112, 15342693, 18622259). ClinVar contains an entry for this variant (Variation ID: 7740). Based on the evidence outlined above, the variant was classified as likely pathogenic.

OMIM
Classification: Pathogenic for GLAUCOMA 3, PRIMARY CONGENITAL, A. Last evaluated: 2004-09-01. Review status: no assertion criteria provided. Collection method: literature only. Allele origin: germline. Not counted in ClinVar's aggregate classification.

Literature cited by the submitters: PubMed 18622259 (cited by Women's Health and Genetics/Laboratory Corporation of America, LabCorp); PubMed 15342693 (cited by Women's Health and Genetics/Laboratory Corporation of America, LabCorp and OMIM); PubMed 14635112 (cited by Women's Health and Genetics/Laboratory Corporation of America, LabCorp).

NM_000104.4(CYP1B1):c.694G>C (p.Gly232Arg)

Gene: CYP1B1 (cytochrome P450 family 1 subfamily B member 1; minus strand). Cytogenetic location: 2p22.2.
Variant type: single nucleotide variant.
Coding change: c.694G>C on transcript NM_000104.4 (MANE Select); coding-DNA position 694, G replaced by C.
Protein change: p.Gly232Arg; replaces glycine 232 with arginine.
Molecular consequence: missense variant.
Genome position (GRCh38, 1-based): chr2:38,074,695, C>G on the plus strand (G>C on the coding strand, the complement: CYP1B1 is on the minus strand). VCF-style: chr2-38074695-C-G. GRCh37 (hg19) VCF-style: chr2-38301838-C-G.
Other names: short protein forms G232R.
Identifiers: ClinVar variation 7740 (VCV000007740.4), dbSNP rs104893628, ClinGen allele CA254242.